The following is an entry in ClinVar:

ClinVar aggregate classification (germline): Uncertain significance. Review status: criteria provided, multiple submitters, no conflicts (2 of 4 stars). 5 submissions from 5 submitters: Uncertain significance (5). Last evaluated 2025-08-21.

Conditions:
Cardiovascular phenotype. Identifiers: MedGen CN230736.
Familial hypercholesterolemia. Also called: Familial hypercholesterolemias; Familial hypercholesterolaemia. Identifiers: MedGen C0020445, MONDO:0005439.
Hypercholesterolemia, autosomal dominant, 3 (FHCL3). Also called: Familial hypercholesterolemia 3; Familial Hypercholesterolemia, Autosomal Dominant, 3; PCSK9-Related Familial Hypercholesterolemia, Autosomal Dominant. Identifiers: MedGen C1863551, MONDO:0011369, OMIM 603776.

Allele frequency attached by ClinVar (database versions not stated): gnomAD exomes 0.00001 and 0.00002; ExAC 0.00002; TOPMed 0.00002.

Submissions (5):

Ambry Genetics
Classification: Uncertain significance for Cardiovascular phenotype. Last evaluated: 2025-08-21. Review status: criteria provided, single submitter. Criteria: Ambry Variant Classification Scheme 2023. Collection method: clinical testing. Allele origin: germline.

GeneDx
Classification: Uncertain significance. Last evaluated: 2025-04-03. Review status: criteria provided, single submitter. Criteria: GeneDx Variant Classification Process June 2021. Collection method: clinical testing. Allele origin: germline. Affected: yes.
Comment: Not observed at significant frequency in large population cohorts (gnomAD); In silico analysis supports that this missense variant has a deleterious effect on protein structure/function; Has not been previously published as pathogenic or benign to our knowledge

All of Us Research Program, National Institutes of Health
Classification: Uncertain significance for Hypercholesterolemia, autosomal dominant, 3. Last evaluated: 2024-05-14. Review status: criteria provided, single submitter. Criteria: ACMG Guidelines, 2015. Collection method: clinical testing. Allele origin: germline. Inheritance: Autosomal dominant inheritance. Observed: 7 variant alleles, 7 heterozygotes.
Comment: This missense variant replaces cysteine with arginine at codon 654 of the PCSK9 protein. Computational prediction tools and conservation analyses are inconclusive regarding the impact of this variant on the protein function. Computational splicing tools suggest that this variant may not impact RNA splicing. To our knowledge, functional assays have not been performed for this variant nor has this variant been reported in individuals affected with familial hypercholesterolemia in the literature. This variant has been identified in 5/250942 chromosomes in the general population by the Genome Aggregation Database (gnomAD). Available evidence is insufficient to determine the role of this variant in disease conclusively. Therefore, this variant is classified as a Variant of Uncertain Significance.

This study involves interpretation of variants in research participants for the purpose of population health screening. Participant phenotype was not available at the time of variant classification. Additional details can be found in publication PMID: 35346344, PMCID: PMC8962531

Color Diagnostics, LLC DBA Color Health
Classification: Uncertain significance for Familial hypercholesterolemia. Last evaluated: 2024-03-06. Review status: criteria provided, single submitter. Criteria: ACMG Guidelines, 2015. Collection method: clinical testing. Allele origin: germline.
Comment: This missense variant replaces cysteine with arginine at codon 654 of the PCSK9 protein. Computational prediction is inconclusive regarding the impact of this variant on protein structure and function (internally defined REVEL score threshold 0.5 < inconclusive < 0.7, PMID: 27666373). To our knowledge, functional studies have not been reported for this variant. This variant has not been reported in individuals affected with PCSK9-related disorders in the literature. This variant has been identified in 5/250942 chromosomes in the general population by the Genome Aggregation Database (gnomAD). The available evidence is insufficient to determine the role of this variant in disease conclusively. Therefore, this variant is classified as a Variant of Uncertain Significance.

Fulgent Genetics
Classification: Uncertain significance for Hypercholesterolemia, autosomal dominant, 3. Last evaluated: 2021-08-18. Review status: criteria provided, single submitter. Criteria: ACMG Guidelines, 2015. Collection method: clinical testing. Allele origin: unknown.

NM_174936.4(PCSK9):c.1960T>C (p.Cys654Arg)

Gene: PCSK9 (proprotein convertase subtilisin/kexin type 9; plus strand). Cytogenetic location: 1p32.3.
Variant type: single nucleotide variant.
Coding change: c.1960T>C on transcript NM_174936.4 (MANE Select); coding-DNA position 1960, T replaced by C.
Protein change: p.Cys654Arg; replaces cysteine 654 with arginine.
Molecular consequence: missense variant.
Genome position (GRCh38, 1-based): chr1:55,063,465, T>C. VCF-style: chr1-55063465-T-C. GRCh37 (hg19) VCF-style: chr1-55529138-T-C.
Other names: c.2083T>C, p.Cys695Arg (NM_001407240.1); c.2002T>C, p.Cys668Arg (NM_001407241.1); c.1963T>C, p.Cys655Arg (NM_001407242.1); c.1903T>C, p.Cys635Arg (NM_001407243.1); c.1786T>C, p.Cys596Arg (NM_001407244.1); c.1768T>C, p.Cys590Arg (NM_001407245.1); c.1585T>C, p.Cys529Arg (NM_001407246.1); c.1459T>C, p.Cys487Arg (NM_001407247.1); short protein forms C654R, C487R, C596R, C529R, C590R, C635R, C655R, C668R.
Identifiers: ClinVar variation 924975 (VCV000924975.14), dbSNP rs762968029, ClinGen allele CA039939.